The following is an entry in ClinVar:

ClinVar aggregate classification (germline): Likely pathogenic. Review status: criteria provided, single submitter (1 of 4 stars). 2 submissions from 2 submitters: Likely pathogenic (1). 1 of the submissions does not count toward it. Last evaluated 2022-06-12.

Conditions:
Retinal dystrophy. Also called: Inherited retinal dystrophy. Identifiers: Orphanet 71862, MedGen C0854723, MeSH D058499, MONDO:0019118, HP:0000556.
Leber congenital amaurosis 8 (LCA8). Identifiers: Orphanet 65, MedGen C3151202, MONDO:0013453, OMIM 613835.
Retinitis pigmentosa 12 (RP12). Also called: RP WITH OR WITHOUT PPRPE; RP WITH OR WITHOUT PRESERVED PARAARTERIOLE RETINAL PIGMENT EPITHELIUM; RETINITIS PIGMENTOSA WITH OR WITHOUT PARAARTERIOLAR PRESERVATION OF RETINAL PIGMENT EPITHELIUM. Identifiers: Orphanet 791, MedGen C1838647, MONDO:0010818, OMIM 600105.

Submissions (2):

Labcorp Genetics (formerly Invitae), Labcorp
Classification: Likely pathogenic for Leber congenital amaurosis 8; Retinitis pigmentosa 12. Last evaluated: 2022-06-12. Review status: criteria provided, single submitter. Criteria: Invitae Variant Classification Sherloc (09022015). Collection method: clinical testing. Allele origin: germline.
Comment: In summary, the currently available evidence indicates that the variant is pathogenic, but additional data are needed to prove that conclusively. Therefore, this variant has been classified as Likely Pathogenic. This variant disrupts the p.Cys195 amino acid residue in CRB1. Other variant(s) that disrupt this residue have been determined to be pathogenic (PMID: 15459956, 26914788, 27096895, 29391521). This suggests that this residue is clinically significant, and that variants that disrupt this residue are likely to be disease-causing. Advanced modeling of protein sequence and biophysical properties (such as structural, functional, and spatial information, amino acid conservation, physicochemical variation, residue mobility, and thermodynamic stability) performed at Invitae indicates that this missense variant is expected to disrupt CRB1 protein function. This variant has not been reported in the literature in individuals affected with CRB1-related conditions. This variant is not present in population databases (gnomAD no frequency). This sequence change replaces cysteine, which is neutral and slightly polar, with tryptophan, which is neutral and slightly polar, at codon 195 of the CRB1 protein (p.Cys195Trp).

Institute of Human Genetics, Univ. Regensburg, Univ. Regensburg
Classification: Likely pathogenic for Retinal dystrophy. Last evaluated: 2021-01-01. Review status: no assertion criteria provided. Criteria: ACMG Guidelines, 2015. Collection method: clinical testing. Allele origin: germline. Affected: yes. Not counted in ClinVar's aggregate classification.

Literature cited by the submitters: PubMed 15459956 (cited by Labcorp Genetics (formerly Invitae), Labcorp); PubMed 26914788 (cited by Labcorp Genetics (formerly Invitae), Labcorp); PubMed 27096895 (cited by Labcorp Genetics (formerly Invitae), Labcorp); PubMed 29391521 (cited by Labcorp Genetics (formerly Invitae), Labcorp).

NM_201253.3(CRB1):c.585C>G (p.Cys195Trp)

Gene: CRB1 (crumbs cell polarity complex component 1; plus strand). Cytogenetic location: 1q31.3.
Variant type: single nucleotide variant.
Coding change: c.585C>G on transcript NM_201253.3 (MANE Select); coding-DNA position 585, C replaced by G.
Protein change: p.Cys195Trp; replaces cysteine 195 with tryptophan.
Molecular consequence: missense variant. On other transcripts: non-coding transcript variant (2).
Genome position (GRCh38, 1-based): chr1:197,328,936, C>G. VCF-style: chr1-197328936-C-G. GRCh37 (hg19) VCF-style: chr1-197298066-C-G.
Other names: c.585C>G, p.Cys195Trp (NM_001193640.2, NM_001257966.2); c.378C>G, p.Cys126Trp (NM_001257965.2); short protein forms C195W, C126W.
Identifiers: ClinVar variation 2005215 (VCV002005215.5), dbSNP rs2465032554, ClinGen allele CA344081610.
Genomic context (GRCh38, chr1:197,328,936, plus strand): 5'-CCCAGGATATCAAGGCAGACACTGCGACTTGGAAGTGGATGAATGTGCTTCAGATCCCTG[C>G]AAGAACGAGGCTACATGCCTCAATGAAATAGGAAGATATACTTGTATCTGTCCCCACAAT-3'
Protein context (NP_957705.1, residues 185-205): LEVDECASDP[Cys195Trp]KNEATCLNEI